The following is an entry in ClinVar:

ClinVar aggregate classification (germline): Conflicting classifications of pathogenicity. Review status: criteria provided, conflicting classifications (1 of 4 stars). 4 submissions from 4 submitters: Uncertain significance (1); Likely benign (2). 1 of the submissions does not count toward it. Last evaluated 2025-10-18.

Conditions:
PDE11A-related disorder. Also called: PDE11A-related condition.
Pigmented nodular adrenocortical disease, primary, 2 (PPNAD2). Also called: PIGMENTED MICRONODULAR ADRENOCORTICAL DISEASE, PRIMARY, 2; CUSHING SYNDROME, ADRENAL, DUE TO PPNAD2. Identifiers: Orphanet 189439, MedGen C1864851, MONDO:0012505, OMIM 610475.

Allele frequency attached by ClinVar (database versions not stated): gnomAD 0.00021 and 0.00020; 1000 Genomes Project 30x 0.00031; 1000 Genomes Project 0.00020; gnomAD exomes 0.00029 and 0.00060; ExAC 0.00048; TOPMed 0.00050.
gnomAD v4.1: 208 of 1,613,896 alleles (0.013%); highest among the groups gnomAD compares: Admixed American, 0.33%; no homozygotes.

Submissions (4):

Ambry Genetics
Classification: Uncertain significance. Last evaluated: 2025-10-18. Review status: criteria provided, single submitter. Criteria: Ambry Variant Classification Scheme 2023. Collection method: clinical testing. Allele origin: germline.

Fulgent Genetics
Classification: Likely benign for Pigmented nodular adrenocortical disease, primary, 2. Last evaluated: 2021-07-09. Review status: criteria provided, single submitter. Criteria: ACMG Guidelines, 2015. Collection method: clinical testing. Allele origin: unknown.

Labcorp Genetics (formerly Invitae), Labcorp
Classification: Likely benign. Last evaluated: 2019-12-31. Review status: criteria provided, single submitter. Criteria: Invitae Variant Classification Sherloc (09022015). Collection method: clinical testing. Allele origin: germline.

PreventionGenetics, part of Exact Sciences
Classification: Benign for PDE11A-related condition. Last evaluated: 2019-07-16. Review status: no assertion criteria provided. Collection method: clinical testing. Allele origin: germline. Not counted in ClinVar's aggregate classification.
Comment: This variant is classified as benign based on ACMG/AMP sequence variant interpretation guidelines (Richards et al. 2015 PMID: 25741868, with internal and published modifications).

NM_016953.4(PDE11A):c.2647G>A (p.Ala883Thr)

Gene: PDE11A (phosphodiesterase 11A; minus strand). Cytogenetic location: 2q31.2.
Variant type: single nucleotide variant.
Coding change: c.2647G>A on transcript NM_016953.4 (MANE Select); coding-DNA position 2647, G replaced by A.
Protein change: p.Ala883Thr; replaces alanine 883 with threonine.
Molecular consequence: missense variant.
Genome position (GRCh38, 1-based): chr2:177,629,562, C>T on the plus strand (G>A on the coding strand, the complement: PDE11A is on the minus strand). VCF-style: chr2-177629562-C-T. GRCh37 (hg19) VCF-style: chr2-178494290-C-T.
Other names: c.1315G>A, p.Ala439Thr (NM_001077196.2); c.1897G>A, p.Ala633Thr (NM_001077197.2); c.1573G>A, p.Ala525Thr (NM_001077358.2); short protein forms A439T, A633T, A883T, A525T.
Identifiers: ClinVar variation 718046 (VCV000718046.8), dbSNP rs79400048, ClinGen allele CA1981422.